The following is an entry in ClinVar:

NM_001034853.2(RPGR):c.2412_2413del (p.Glu806fs)

Gene: RPGR (retinitis pigmentosa GTPase regulator; minus strand). Cytogenetic location: Xp11.4.
Variant type: Microsatellite.
Coding change: c.2412_2413del on transcript NM_001034853.2 (MANE Select); coding-DNA positions 2412 to 2413, 2 bases deleted (AG; older notation c.2412_2413delAG).
Protein change: p.Glu806fs; shifts the reading frame from glutamic acid 806.
Molecular consequence: frameshift variant. On other transcripts: intron variant (8).
Genome position (GRCh38, 1-based): chrX:38,286,586-38,286,587, CT deleted on the plus strand (AG on the coding strand, the reverse complement: RPGR is on the minus strand); deleting any 2 consecutive bases within chrX:38,286,586-38,286,590 gives the same sequence; the c. name uses the placement nearest the transcript's 3' end. VCF-style (leftmost placement, unchanged base first): chrX-38286585-CCT-C. GRCh37 (hg19) VCF-style: chrX-38145838-CCT-C.
Other names: c.1569+4372_1569+4373del (NM_001367249.1, NM_001367250.1); c.1902+507_1902+508del (NM_001367245.1); c.1386+4372_1386+4373del (NM_001367251.1); c.1719+507_1719+508del (NM_001367246.1); c.1572+4372_1572+4373del (NM_001367247.1); c.1905+507_1905+508del (NM_000328.3); c.1602+4372_1602+4373del (NM_001367248.1); short protein forms E806fs.
Identifiers: ClinVar variation 865786 (VCV000865786.7), dbSNP rs2067182636, ClinGen allele CA916083900.

ClinVar aggregate classification (germline): Pathogenic. Review status: criteria provided, multiple submitters, no conflicts (2 of 4 stars). 4 submissions from 3 submitters: Pathogenic (3). 1 of the submissions does not count toward it. Last evaluated 2025-05-14.

Conditions:
Primary ciliary dyskinesia. Also called: Ciliary dyskinesia. Identifiers: Orphanet 244, MedGen C0008780, MONDO:0016575, HP:0012265.
Retinitis pigmentosa 3. Also called: CHOROIDORETINAL DEGENERATION WITH RETINAL REFLEX IN HETEROZYGOUS WOMEN. Identifiers: Orphanet 791, MedGen C1845667, MONDO:0010227, OMIM 300029.
Retinal dystrophy. Also called: Inherited retinal dystrophy. Identifiers: Orphanet 71862, MedGen C0854723, MeSH D058499, MONDO:0019118, HP:0000556.

Submissions (4):

Labcorp Genetics (formerly Invitae), Labcorp
Classification: Pathogenic for Primary ciliary dyskinesia. Last evaluated: 2025-05-14. Review status: criteria provided, single submitter. Criteria: Invitae Variant Classification Sherloc (09022015). Collection method: clinical testing. Allele origin: germline.
Comment: This sequence change creates a premature translational stop signal (p.Glu806Glyfs*28) in the RPGR (ORF15) gene. While this is not anticipated to result in nonsense mediated decay, it is expected to disrupt the last 347 amino acid(s) of the RPGR (ORF15) protein. This variant is not present in population databases (gnomAD no frequency). This premature translational stop signal has been observed in individual(s) with retinitis pigmentosa (PMID: 14564670). This variant is also known as g.ORF15+659_660delAG. ClinVar contains an entry for this variant (Variation ID: 865786). This variant disrupts a region of the RPGR (ORF15) protein in which other variant(s) (p.Leu1130Lysfs*13) have been determined to be pathogenic (PMID: 22264887; internal data). This suggests that this is a clinically significant region of the protein, and that variants that disrupt it are likely to be disease-causing. For these reasons, this variant has been classified as Pathogenic.

Blueprint Genetics
Classification: Pathogenic for Retinal dystrophy. Last evaluated: 2018-10-12. Review status: criteria provided, single submitter. Criteria: Blueprint Genetics Variant Classification Scheme. Collection method: clinical testing. Allele origin: germline. Affected: yes.

PreventionGenetics, part of Exact Sciences
Classification: Pathogenic. Last evaluated: 2017-06-11. Review status: criteria provided, single submitter. Criteria: ACMG Guidelines, 2015. Collection method: clinical testing. Allele origin: germline.

Blueprint Genetics
Classification: Pathogenic for Retinitis pigmentosa 3. Review status: no assertion criteria provided. Collection method: clinical testing. Allele origin: germline. Affected: yes. Not counted in ClinVar's aggregate classification.

Literature cited by the submitters: PubMed 14564670 (cited by Labcorp Genetics (formerly Invitae), Labcorp); PubMed 22264887 (cited by Labcorp Genetics (formerly Invitae), Labcorp).